The following is an entry in ClinVar:

NM_198173.3(GRHL3):c.862G>C (p.Asp288His)

Gene: GRHL3 (grainyhead like transcription factor 3; plus strand). Cytogenetic location: 1p36.11.
Variant type: single nucleotide variant.
Coding change: c.862G>C on transcript NM_198173.3 (MANE Select); coding-DNA position 862, G replaced by C.
Protein change: p.Asp288His; replaces aspartic acid 288 with histidine.
Molecular consequence: missense variant.
Genome position (GRCh38, 1-based): chr1:24,338,013, G>C. VCF-style: chr1-24338013-G-C. GRCh37 (hg19) VCF-style: chr1-24664503-G-C.
Other names: c.724G>C, p.Asp242His (NM_001195010.2); c.877G>C, p.Asp293His (NM_021180.4); c.862G>C, p.Asp288His (NM_198174.3); short protein forms D242H, D288H, D293H.
Identifiers: ClinVar variation 2634332 (VCV002634332.1), dbSNP rs141594535, ClinGen allele CA690022.

ClinVar aggregate classification (germline): Uncertain significance (1 of 4 stars; one submission).

Conditions:
GRHL3-related disorder. Also called: GRHL3-related condition.

gnomAD v4.1: 22 of 1,610,430 alleles (0.0014%); highest among the groups gnomAD compares: Non-Finnish European, 0.0019%; no homozygotes.

Submission:

PreventionGenetics, part of Exact Sciences
Classification: Uncertain significance for GRHL3-related condition. Last evaluated: 2023-09-04. Review status: criteria provided, single submitter. Criteria: ACMG Guidelines, 2015. Collection method: clinical testing. Allele origin: germline.
Comment: The GRHL3 c.862G>C variant is predicted to result in the amino acid substitution p.Asp288His. This variant was reported in an individual with spina bifida; however, in vitro experimental studies suggested this variant did not not impact protein function (Lemay et al. 2017. PubMed ID: 28276201). This variant is reported in 0.0031% of alleles in individuals of European (non-Finnish) descent in gnomAD. At this time, the clinical significance of this variant is uncertain due to the absence of conclusive functional and genetic evidence.